The following is an entry in ClinVar:

NM_000089.4(COL1A2):c.1971+18T>C

Gene: COL1A2 (collagen type I alpha 2 chain; plus strand). Cytogenetic location: 7q21.3.
Variant type: single nucleotide variant.
Coding change: c.1971+18T>C on transcript NM_000089.4 (MANE Select); 18 bases into the intron after coding-DNA position 1971, T replaced by C.
Molecular consequence: intron variant.
Genome position (GRCh38, 1-based): chr7:94,417,849, T>C. VCF-style: chr7-94417849-T-C. GRCh37 (hg19) VCF-style: chr7-94047161-T-C.
Identifiers: ClinVar variation 681480 (VCV000681480.9), dbSNP rs41317174, ClinGen allele CA4347238.
Genomic context (GRCh38, chr7:94,417,849, plus strand): 5'-AGAGAGGGGTGCTGCTGGCATACCTGGAGGCAAGGGAGAAAAGGTACGTGTTGACCCCTA[T>C]TACATATTGTTGATGAACTCTAGTAAAGAAGGCTGCACAAGGATGCCCAAGTTTTCACAA-3'

ClinVar aggregate classification (germline): Benign/Likely benign. Review status: criteria provided, multiple submitters, no conflicts (2 of 4 stars). 2 submissions from 2 submitters: Benign (1); Likely benign (1). Last evaluated 2025-10-13.

Conditions:
Osteogenesis imperfecta type I (OI1). Also called: OI, TYPE I; OSTEOGENESIS IMPERFECTA TARDA; OSTEOGENESIS IMPERFECTA WITH BLUE SCLERAE; Osteogenesis imperfecta type 1; Classic Non-deforming Osteogenesis Imperfecta with Blue Sclerae; Lobstein's Disease. Identifiers: Orphanet 216796, Orphanet 666, MedGen C0023931, MONDO:0008146, OMIM 166200. Disease mechanism: loss of function.
Ehlers-Danlos syndrome, classic type, 1 (EDSCL1). Also called: EDS I; EHLERS-DANLOS SYNDROME, GRAVIS TYPE; EHLERS-DANLOS SYNDROME, SEVERE CLASSIC TYPE; Ehlers-Danlos Syndrome, Classic Type, COL5A1-Related; Ehlers-Danlos syndrome, type 1. Identifiers: MedGen C0268335, MONDO:0019567, OMIM 130000.

Allele frequency attached by ClinVar (database versions not stated): gnomAD exomes 0.00006 and 0.00017; gnomAD 0.00072 and 0.00067; ESP Exome Variant Server 0.00092; 1000 Genomes Project 30x 0.00156; ExAC 0.00054; TOPMed 0.00070; 1000 Genomes Project 0.00100.
gnomAD v4.1: 187 of 1,557,646 alleles (0.012%); highest among the groups gnomAD compares: African/African-American, 0.24%; no homozygotes.

Submissions (2):

Labcorp Genetics (formerly Invitae), Labcorp
Classification: Benign for Osteogenesis imperfecta type I; Ehlers-Danlos syndrome, classic type, 1. Last evaluated: 2025-10-13. Review status: criteria provided, single submitter. Criteria: Invitae Variant Classification Sherloc (09022015). Collection method: clinical testing. Allele origin: germline.

GeneDx
Classification: Likely benign. Last evaluated: 2018-04-04. Review status: criteria provided, single submitter. Criteria: GeneDx Variant Classification (06012015). Collection method: clinical testing. Allele origin: germline. Affected: yes.
Comment: This variant is considered likely benign or benign based on one or more of the following criteria: it is a conservative change, it occurs at a poorly conserved position in the protein, it is predicted to be benign by multiple in silico algorithms, and/or has population frequency not consistent with disease.